The following is an entry in ClinVar:

ClinVar aggregate classification (germline): Uncertain significance. Review status: criteria provided, multiple submitters, no conflicts (2 of 4 stars). 2 submissions from 2 submitters: Uncertain significance (2). Last evaluated 2025-04-12.

Conditions:
Inborn genetic diseases. Identifiers: MedGen C0950123, MeSH D030342.
Fanconi anemia (FA). Also called: Fanconi's anemia. Identifiers: Orphanet 84, MedGen C0015625, MeSH D005199, MONDO:0019391.

Submissions (2):

Ambry Genetics
Classification: Uncertain significance for Inborn genetic diseases. Last evaluated: 2025-04-12. Review status: criteria provided, single submitter. Criteria: Ambry Variant Classification Scheme 2023. Collection method: clinical testing. Allele origin: germline.
Comment: The p.L1197V variant (also known as c.3589C>G), located in coding exon 36 of the FANCA gene, results from a C to G substitution at nucleotide position 3589. The leucine at codon 1197 is replaced by valine, an amino acid with highly similar properties. This amino acid position is conserved. In addition, the in silico prediction for this alteration is inconclusive. Based on the available evidence, the clinical significance of this variant remains unclear.

Labcorp Genetics (formerly Invitae), Labcorp
Classification: Uncertain significance for Fanconi anemia. Last evaluated: 2024-12-26. Review status: criteria provided, single submitter. Criteria: Invitae Variant Classification Sherloc (09022015). Collection method: clinical testing. Allele origin: germline.
Comment: This sequence change replaces leucine, which is neutral and non-polar, with valine, which is neutral and non-polar, at codon 1197 of the FANCA protein (p.Leu1197Val). This variant is not present in population databases (gnomAD no frequency). This variant has not been reported in the literature in individuals affected with FANCA-related conditions. Invitae Evidence Modeling of protein sequence and biophysical properties (such as structural, functional, and spatial information, amino acid conservation, physicochemical variation, residue mobility, and thermodynamic stability) has been performed for this missense variant. However, the output from this modeling did not meet the statistical confidence thresholds required to predict the impact of this variant on FANCA protein function. In summary, the available evidence is currently insufficient to determine the role of this variant in disease. Therefore, it has been classified as a Variant of Uncertain Significance.

NM_000135.4(FANCA):c.3589C>G (p.Leu1197Val)

Gene: FANCA (FA complementation group A; minus strand). Cytogenetic location: 16q24.3.
Variant type: single nucleotide variant.
Coding change: c.3589C>G on transcript NM_000135.4 (MANE Select); coding-DNA position 3589, C replaced by G.
Protein change: p.Leu1197Val; replaces leucine 1197 with valine.
Molecular consequence: missense variant.
Genome position (GRCh38, 1-based): chr16:89,744,996, G>C on the plus strand (C>G on the coding strand, the complement: FANCA is on the minus strand). VCF-style: chr16-89744996-G-C. GRCh37 (hg19) VCF-style: chr16-89811404-G-C.
Other names: c.3589C>G, p.Leu1197Val (NM_001286167.3); short protein forms L1197V.
Identifiers: ClinVar variation 3621939 (VCV003621939.3).
Genomic context (GRCh38, chr16:89,744,996, plus strand): 5'-CCCATCTCACCACCCACACGTACTCGCTGGCAAACTGCCGGCCTTCTTGTAGCTTCTGCA[G>C]TTCCCGGGGCAGCGGGCTCTGGCAGTGTCTCCTCCACCGGCAGAGCAGCACAGGCTCCAG-3'
Protein context (NP_000126.2, residues 1187-1207): RHCQSPLPRE[Leu1197Val]QKLQEGRQFA